The following is an entry in ClinVar:

NM_015073.3(SIPA1L3):c.974G>A (p.Arg325Gln)

Gene: SIPA1L3 (signal induced proliferation associated 1 like 3; plus strand). Cytogenetic location: 19q13.13.
Variant type: single nucleotide variant.
Coding change: c.974G>A on transcript NM_015073.3 (MANE Select); coding-DNA position 974, G replaced by A.
Protein change: p.Arg325Gln; replaces arginine 325 with glutamine.
Molecular consequence: missense variant.
Genome position (GRCh38, 1-based): chr19:38,082,539, G>A. VCF-style: chr19-38082539-G-A. GRCh37 (hg19) VCF-style: chr19-38573179-G-A.
Other names: c.974G>A (NM_015073.1); short protein forms R325Q.
Identifiers: ClinVar variation 2719842 (VCV002719842.4), dbSNP rs926683745, ClinGen allele CA308043467.
Genomic context (GRCh38, chr19:38,082,539, plus strand): 5'-TAAGGAGCAGCAAACCCGAGGGGGAGGCTGGGCGTTCCCCGGGGGAGGCCGACGAGGGCC[G>A]GAGCCCCCCGGAAGCCAGCAGGCCGTGGGTGTGTCAGAAGAGCTTCGCCCACTTCGACGT-3'
Protein context (NP_055888.1, residues 315-335): GRSPGEADEG[Arg325Gln]SPPEASRPWV

ClinVar aggregate classification (germline): Uncertain significance. Review status: criteria provided, multiple submitters, no conflicts (2 of 4 stars). 2 submissions from 2 submitters: Uncertain significance (2). Last evaluated 2025-11-26.

Allele frequency attached by ClinVar (database versions not stated): gnomAD exomes below 0.00001; gnomAD 0.00001.
gnomAD v4.1: 7 of 1,600,000 alleles (0.00044%); highest among the groups gnomAD compares: Middle Eastern, 0.016%; no homozygotes.

Submissions (2):

Ambry Genetics
Classification: Uncertain significance. Last evaluated: 2025-11-26. Review status: criteria provided, single submitter. Criteria: Ambry Variant Classification Scheme 2023. Collection method: clinical testing. Allele origin: germline.

Labcorp Genetics (formerly Invitae), Labcorp
Classification: Uncertain significance. Last evaluated: 2023-04-11. Review status: criteria provided, single submitter. Criteria: Invitae Variant Classification Sherloc (09022015). Collection method: clinical testing. Allele origin: germline.
Comment: In summary, the available evidence is currently insufficient to determine the role of this variant in disease. Therefore, it has been classified as a Variant of Uncertain Significance. An algorithm developed to predict the effect of missense changes on protein structure and function (PolyPhen-2) suggests that this variant is likely to be tolerated. This variant has not been reported in the literature in individuals affected with SIPA1L3-related conditions. This variant is present in population databases (no rsID available, gnomAD 0.005%). This sequence change replaces arginine, which is basic and polar, with glutamine, which is neutral and polar, at codon 325 of the SIPA1L3 protein (p.Arg325Gln).